The following is an entry in ClinVar:

NM_001083116.3(PRF1):c.1424G>A (p.Gly475Glu)

Gene: PRF1 (perforin 1; minus strand). Cytogenetic location: 10q22.1.
Variant type: single nucleotide variant.
Coding change: c.1424G>A on transcript NM_001083116.3 (MANE Select); coding-DNA position 1424, G replaced by A.
Protein change: p.Gly475Glu; replaces glycine 475 with glutamic acid.
Molecular consequence: missense variant.
Genome position (GRCh38, 1-based): chr10:70,598,297, C>T on the plus strand (G>A on the coding strand, the complement: PRF1 is on the minus strand). VCF-style: chr10-70598297-C-T. GRCh37 (hg19) VCF-style: chr10-72358053-C-T.
Other names: c.1424G>A, p.Gly475Glu (NM_005041.6); short protein forms G475E.
Identifiers: ClinVar variation 1054723 (VCV001054723.8), dbSNP rs779584225, ClinGen allele CA5538749.

ClinVar aggregate classification (germline): Uncertain significance (1 of 4 stars; one submission).

Conditions:
Familial hemophagocytic lymphohistiocytosis 2 (FHL2). Also called: PRF1-Related Familial Hemophagocytic Lymphohistiocytosis (PRF1-fHLH). Identifiers: Orphanet 540, MedGen C1863727, MONDO:0011337, OMIM 603553.

Allele frequency attached by ClinVar (database versions not stated): gnomAD exomes below 0.00001; TOPMed below 0.00001; ExAC 0.00001; gnomAD 0.00001.

Submission:

Labcorp Genetics (formerly Invitae), Labcorp
Classification: Uncertain significance for Familial hemophagocytic lymphohistiocytosis 2. Last evaluated: 2020-06-26. Review status: criteria provided, single submitter. Criteria: Invitae Variant Classification Sherloc (09022015). Collection method: clinical testing. Allele origin: germline.
Comment: In summary, the available evidence is currently insufficient to determine the role of this variant in disease. Therefore, it has been classified as a Variant of Uncertain Significance. Algorithms developed to predict the effect of missense changes on protein structure and function (SIFT, PolyPhen-2, Align-GVGD) all suggest that this variant is likely to be tolerated, but these predictions have not been confirmed by published functional studies and their clinical significance is uncertain. This variant has not been reported in the literature in individuals with PRF1-related conditions. This variant is present in population databases (rs779584225, ExAC 0.006%). This sequence change replaces glycine with glutamic acid at codon 475 of the PRF1 protein (p.Gly475Glu). The glycine residue is moderately conserved and there is a moderate physicochemical difference between glycine and glutamic acid.